The following is an entry in ClinVar:

ClinVar aggregate classification (germline): Uncertain significance (1 of 4 stars; one submission).

Submission:

GeneDx
Classification: Uncertain significance. Last evaluated: 2023-07-12. Review status: criteria provided, single submitter. Criteria: GeneDx Variant Classification Process June 2021. Collection method: clinical testing. Allele origin: germline. Affected: yes.
Comment: Not observed at significant frequency in large population cohorts (gnomAD); In silico analysis supports that this missense variant has a deleterious effect on protein structure/function; Has not been previously published as pathogenic or benign to our knowledge

NM_007144.3(PCGF2):c.527A>C (p.His176Pro)

Gene: PCGF2 (polycomb group ring finger 2; minus strand). Cytogenetic location: 17q12.
Variant type: single nucleotide variant.
Coding change: c.527A>C on transcript NM_007144.3 (MANE Select); coding-DNA position 527, A replaced by C.
Protein change: p.His176Pro; replaces histidine 176 with proline.
Molecular consequence: missense variant.
Genome position (GRCh38, 1-based): chr17:38,738,402, T>G on the plus strand (A>C on the coding strand, the complement: PCGF2 is on the minus strand). VCF-style: chr17-38738402-T-G. GRCh37 (hg19) VCF-style: chr17-36894655-T-G.
Other names: c.527A>C, p.His176Pro (NM_001369614.1, NM_001369615.1); short protein forms H176P.
Identifiers: ClinVar variation 3361047 (VCV003361047.1).
Genomic context (GRCh38, chr17:38,738,402, plus strand): 5'-CAGGGACCCACCTTGTACTTGCTGGGCACATCCATCTTGTTGCGGAGAAACTTGGCAAGA[T>G]GCATGACGGTCATGGCTGCTGGGCATCGCAGGAAGCGCACCCCTGTCTGCTGGGGCACAG-3'
Protein context (NP_009075.1, residues 166-186): LRCPAAMTVM[His176Pro]LAKFLRNKMD